The following is an entry in ClinVar:

NM_006206.6(PDGFRA):c.362T>C (p.Val121Ala)

Gene: PDGFRA (platelet derived growth factor receptor alpha; plus strand). Cytogenetic location: 4q12.
Variant type: single nucleotide variant.
Coding change: c.362T>C on transcript NM_006206.6 (MANE Select); coding-DNA position 362, T replaced by C.
Protein change: p.Val121Ala; replaces valine 121 with alanine.
Molecular consequence: missense variant.
Genome position (GRCh38, 1-based): chr4:54,261,407, T>C. VCF-style: chr4-54261407-T-C. GRCh37 (hg19) VCF-style: chr4-55127574-T-C.
Other names: c.362T>C, p.Val121Ala (NM_001347827.2, NM_001347829.2); c.437T>C, p.Val146Ala (NM_001347828.2); c.401T>C, p.Val134Ala (NM_001347830.2); c.362T>C (NM_006206.4); short protein forms V134A, V121A, V146A.
Identifiers: ClinVar variation 1358662 (VCV001358662.8), dbSNP rs2110243774, ClinGen allele CA356889113.

ClinVar aggregate classification (germline): Uncertain significance. Review status: criteria provided, multiple submitters, no conflicts (2 of 4 stars). 3 submissions from 3 submitters: Uncertain significance (3). Last evaluated 2024-12-12.

Conditions:
Gastrointestinal stromal tumor. Also called: Gastrointestinal stroma tumor; Gastrointestinal stromal tumor, somatic. Identifiers: Orphanet 44890, MedGen C0238198, MeSH D046152, MONDO:0011719, OMIM 606764, HP:0100723.
Hereditary cancer-predisposing syndrome. Also called: Tumor predisposition; Hereditary Cancer Syndrome; Hereditary neoplastic syndrome; Neoplastic Syndromes, Hereditary. Identifiers: Orphanet 140162, MedGen C0027672, MeSH D009386, MONDO:0015356.

Submissions (3):

Ambry Genetics
Classification: Uncertain significance for Hereditary cancer-predisposing syndrome. Last evaluated: 2024-12-12. Review status: criteria provided, single submitter. Criteria: Ambry Variant Classification Scheme 2023. Collection method: clinical testing. Allele origin: germline.
Comment: The p.V121A variant (also known as c.362T>C), located in coding exon 2 of the PDGFRA gene, results from a T to C substitution at nucleotide position 362. The valine at codon 121 is replaced by alanine, an amino acid with similar properties. This amino acid position is conserved. In addition, the in silico prediction for this alteration is inconclusive. Based on the available evidence, the clinical significance of this variant remains unclear.

Labcorp Genetics (formerly Invitae), Labcorp
Classification: Uncertain significance for Gastrointestinal stromal tumor. Last evaluated: 2024-02-11. Review status: criteria provided, single submitter. Criteria: Invitae Variant Classification Sherloc (09022015). Collection method: clinical testing. Allele origin: germline.
Comment: This sequence change replaces valine, which is neutral and non-polar, with alanine, which is neutral and non-polar, at codon 121 of the PDGFRA protein (p.Val121Ala). This variant is not present in population databases (gnomAD no frequency). This variant has not been reported in the literature in individuals affected with PDGFRA-related conditions. ClinVar contains an entry for this variant (Variation ID: 1358662). Advanced modeling of protein sequence and biophysical properties (such as structural, functional, and spatial information, amino acid conservation, physicochemical variation, residue mobility, and thermodynamic stability) has been performed at Invitae for this missense variant, however the output from this modeling did not meet the statistical confidence thresholds required to predict the impact of this variant on PDGFRA protein function. In summary, the available evidence is currently insufficient to determine the role of this variant in disease. Therefore, it has been classified as a Variant of Uncertain Significance.

Clinical Genetics Laboratory, Skane University Hospital Lund
Classification: Uncertain significance. Last evaluated: 2022-08-09. Review status: criteria provided, single submitter. Criteria: ACMG Guidelines, 2015. Collection method: clinical testing. Allele origin: germline. Affected: yes.